The following is an entry in ClinVar:

ClinVar aggregate classification (germline): Likely pathogenic. Review status: reviewed by expert panel (3 of 4 stars). 3 submissions from 3 submitters: Likely pathogenic (1). 2 of the submissions do not count toward it. Last evaluated 2026-01-15.

Conditions:
RPE65-related recessive retinopathy. Also called: Recessive RPE65 retinopathy. Identifiers: MedGen CN305526, MONDO:0100368.
RPE65-related disorder. Also called: RPE65-related condition; RPE65-related disorders. Identifiers: MedGen CN239301.
Retinitis pigmentosa 20 (RP20). Identifiers: Orphanet 791, MedGen C3151086, MONDO:0013425, OMIM 613794.
Leber congenital amaurosis 2 (LCA2). Also called: AMAUROSIS CONGENITA OF LEBER II; Autosomal Recessive RPE65-Related Retinal Degeneration. Identifiers: Orphanet 65, MedGen C1859844, MONDO:0008765, OMIM 204100. Disease mechanism: loss of function.

gnomAD v4.1: 6 of 1,613,958 alleles (0.00037%); highest among the groups gnomAD compares: Non-Finnish European, 0.00042%; no homozygotes.

Submissions (3):

ClinGen Leber Congenital Amaurosis/early Onset Retinal Dystrophy Variant Curation Expert Panel, ClinGen
Classification: Likely pathogenic for RPE65-related recessive retinopathy. Last evaluated: 2026-01-15. Review status: reviewed by expert panel. Criteria: ClinGen LCAeoRD ACMG Specifications RPE65 V1.0.0. Collection method: curation. Allele origin: germline. Inheritance: Autosomal recessive inheritance.
Comment: NM_000329.3(RPE65):c.1088C>A (p.Pro363His) is a missense variant that causes replacement of proline with histidine at amino acid 363. Another missense variant in the same codon,NM_000329.3(RPE65):c.1087C>A (p.Pro363Thr), has been classified as pathogenic for RPE65-related recessive retinopathy by the ClinGen LCA / eoRD VCEP (PM5, PMID: 26352687). Splicing prediction using SpliceAI did not strongly predict an effect on splicing due to either of these variants. This variant is present in gnomAD v.4.1.0 at a GrpMax allele frequency of 0.000001240, with 6 alleles / 1,179,954 total alleles in the European (non-Finnish) population, which is lower than the ClinGen LCA / eoRD VCEP PM2_Supporting threshold of <0.0002 (PM2_Supporting). This variant has been reported in at least 1 proband with early-onset severe retinal dystrophy who was compound heterozygous with the NM_000329.3(RPE65):c.118G>A (p.Gly40Ser) variant confirmed in trans, which was previously classified pathogenic by the ClinGen LCA / eoRD VCEP (1 total point, VCEP member-provided data, PM3). The computational predictor REVEL gives a score of 0.851, which is above the ClinGen LCA / eoRD VCEP threshold of ≥0.773 and predicts a damaging effect on RPE65 function (PP3_Moderate). The splicing impact predictor SpliceAI gives a delta score of 0.04 for donor loss, which is below the ClinGen LCA / eoRD VCEP recommended threshold of <0.1 and does not predict an impact on splicing. In summary, this variant meets the criteria to be classified as Likely Pathogenic for RPE65-related recessive retinopathy based on the ACMG/AMP criteria applied, as specified by the ClinGen LCA/eoRD VCEP: PM5, PS2_Supporting, PM3, PP3_Moderate. (VCEP specifications version 1.0.0; date of approval 09/21/2023).

Blueprint Genetics
Classification: Likely pathogenic for RPE65-related disorders. Last evaluated: 2024-11-25. Review status: criteria provided, single submitter. Criteria: ACMG Guidelines, 2015. Collection method: clinical testing. Allele origin: germline. Affected: yes. Observed: 2 variant alleles. Not counted in ClinVar's aggregate classification.

Labcorp Genetics (formerly Invitae), Labcorp
Classification: Uncertain significance for Leber congenital amaurosis 2; Retinitis pigmentosa 20. Last evaluated: 2022-07-15. Review status: criteria provided, single submitter. Criteria: Invitae Variant Classification Sherloc (09022015). Collection method: clinical testing. Allele origin: germline. Not counted in ClinVar's aggregate classification.
Comment: This sequence change replaces proline, which is neutral and non-polar, with histidine, which is basic and polar, at codon 363 of the RPE65 protein (p.Pro363His). This variant is not present in population databases (gnomAD no frequency). This variant has not been reported in the literature in individuals affected with RPE65-related conditions. Advanced modeling of protein sequence and biophysical properties (such as structural, functional, and spatial information, amino acid conservation, physicochemical variation, residue mobility, and thermodynamic stability) performed at Invitae indicates that this missense variant is expected to disrupt RPE65 protein function. This variant disrupts the p.Pro363 amino acid residue in RPE65. Other variant(s) that disrupt this residue have been determined to be pathogenic (PMID: 9326941, 15024725, 29332120). This suggests that this residue is clinically significant, and that variants that disrupt this residue are likely to be disease-causing. In summary, the available evidence is currently insufficient to determine the role of this variant in disease. Therefore, it has been classified as a Variant of Uncertain Significance.

Literature cited by the submitters: PubMed 9326941 (cited by Labcorp Genetics (formerly Invitae), Labcorp); PubMed 15024725 (cited by Labcorp Genetics (formerly Invitae), Labcorp); PubMed 29332120 (cited by Labcorp Genetics (formerly Invitae), Labcorp).

NM_000329.3(RPE65):c.1088C>A (p.Pro363His)

Gene: RPE65 (retinoid isomerohydrolase RPE65; minus strand). Cytogenetic location: 1p31.3.
Variant type: single nucleotide variant.
Coding change: c.1088C>A on transcript NM_000329.3 (MANE Select); coding-DNA position 1088, C replaced by A.
Protein change: p.Pro363His; replaces proline 363 with histidine.
Molecular consequence: missense variant.
Genome position (GRCh38, 1-based): chr1:68,438,227, G>T on the plus strand (C>A on the coding strand, the complement: RPE65 is on the minus strand). VCF-style: chr1-68438227-G-T. GRCh37 (hg19) VCF-style: chr1-68903910-G-T.
Other names: NM_000329.3(RPE65):c.1088C>A; p.Pro363His; c.980C>A, p.Pro327His (NM_001406853.1); c.812C>A, p.Pro271His (NM_001406856.1, NM_001406857.1); c.1088C>A, p.Pro363His (NM_001406859.1); short protein forms P327H, P271H, P363H.
Identifiers: ClinVar variation 2154687 (VCV002154687.3), dbSNP rs1158240863, ClinGen allele CA340744121.
Genomic context (GRCh38, chr1:68,438,227, plus strand): 5'-TCTACAGAGAAGCAGGTTACCTTGTCAATATTCAAAGGAAGTACATATCTCCTAACTTCA[G>T]GTTGGGGAGCCTTTCTGGCATTTTTTTTCACCTCTTCCCAGTTCTCACGTAAATTGGCTA-3'
Protein context (NP_000320.1, residues 353-373): VKKNARKAPQ[Pro363His]EVRRYVLPLN